The following is an entry in ClinVar:

NM_005006.7(NDUFS1):c.699_700del (p.Lys234fs)

Gene: NDUFS1 (NADH:ubiquinone oxidoreductase core subunit S1; minus strand). Cytogenetic location: 2q33.3.
Variant type: Deletion.
Coding change: c.699_700del on transcript NM_005006.7 (MANE Select); coding-DNA positions 699 to 700, 2 bases deleted (TA; older notation c.699_700delTA).
Protein change: p.Lys234fs; shifts the reading frame from lysine 234.
Molecular consequence: frameshift variant.
Genome position (GRCh38, 1-based): chr2:206,146,940-206,146,941, TA deleted on the plus strand (TA on the coding strand, the reverse complement: NDUFS1 is on the minus strand). VCF-style (leftmost placement, unchanged base first): chr2-206146939-TTA-T. GRCh37 (hg19) VCF-style: chr2-207011663-TTA-T.
Other names: c.591_592del, p.Lys198fs (NM_001199981.2); c.366_367del, p.Lys123fs (NM_001199982.2); c.528_529del, p.Lys177fs (NM_001199983.2); c.741_742del, p.Lys248fs (NM_001199984.2); short protein forms K123fs, K177fs, K234fs, K248fs, K198fs.
Identifiers: ClinVar variation 214780 (VCV000214780.32), dbSNP rs1553506655, ClinGen allele CA320269.

ClinVar aggregate classification (germline): Pathogenic. Review status: criteria provided, multiple submitters, no conflicts (2 of 4 stars). 2 submissions from 2 submitters: Pathogenic (2). Last evaluated 2022-04-01.

Allele frequency attached by ClinVar (database versions not stated): gnomAD exomes below 0.00001 and 0.00002.

Submissions (2):

CeGaT Center for Human Genetics Tuebingen
Classification: Pathogenic. Last evaluated: 2022-04-01. Review status: criteria provided, single submitter. Criteria: CeGaT Center For Human Genetics Tuebingen Variant Classification Criteria Version 2. Collection method: clinical testing. Allele origin: germline. Affected: yes. Observed: 1 variant allele.
Comment: NDUFS1: PVS1, PM2

GeneDx
Classification: Pathogenic. Last evaluated: 2013-09-17. Review status: criteria provided, single submitter. Criteria: GeneDx Variant Classification (06012015). Collection method: clinical testing. Allele origin: germline. Affected: yes.
Comment: The c.699_700delTA mutation in the NDUFS1 gene causes a frameshift starting with codon Lysine 234, changes this amino acid to an Alanine residue, and creates a premature Stop codon at position 18 of the new reading frame, denoted p.Lys234AlafsX18. This mutation is predicted to cause loss of normal protein function either through protein truncation or nonsense-mediated mRNA decay. Although this mutation has not been previously reported to our knowledge, it is expected to be a disease-causing mutation. The variant is found in NDUFS1 panel(s).